The following is an entry in ClinVar:

NM_001318895.3(FHL2):c.2T>A (p.Met1Lys)

Gene: FHL2 (four and a half LIM domains 2; minus strand). Cytogenetic location: 2q12.2.
Variant type: single nucleotide variant.
Coding change: c.2T>A on transcript NM_001318895.3 (MANE Select); coding-DNA position 2, T replaced by A.
Protein change: p.Met1Lys; changes the start codon (methionine 1).
Molecular consequence: missense variant, initiator codon variant. On other transcripts: 5 prime UTR variant (3).
Genome position (GRCh38, 1-based): chr2:105,386,515, A>T on the plus strand (T>A on the coding strand, the complement: FHL2 is on the minus strand). VCF-style: chr2-105386515-A-T. GRCh37 (hg19) VCF-style: chr2-106002972-A-T.
Other names: c.2T>A, p.Met1Lys (NM_001039492.3, NM_001318894.1, NM_001318896.2 and 4 more transcripts); c.-166T>A (NM_001318897.2, NM_001318898.2); c.-445T>A (NM_001318899.2); short protein forms M1K.
Identifiers: ClinVar variation 3345290 (VCV003345290.1).

ClinVar aggregate classification (germline): Uncertain significance (0 of 4 stars; one submission).

Conditions:
FHL2-related disorder. Also called: FHL2-related condition.

Submission:

PreventionGenetics, part of Exact Sciences
Classification: Uncertain significance for FHL2-related condition. Last evaluated: 2024-04-18. Review status: no assertion criteria provided. Collection method: clinical testing. Allele origin: germline.
Comment: The FHL2 c.2T>A variant is predicted to disrupt the translation initiation site (Start loss). To our knowledge, this variant has not been reported in the literature or in a large population database, indicating this variant is rare. At this time, the clinical significance of this variant is uncertain due to the absence of conclusive functional and genetic evidence.